The following is an entry in ClinVar:

NM_005639.3(SYT1):c.928G>A (p.Asp310Asn)

Gene: SYT1 (synaptotagmin 1; plus strand). Cytogenetic location: 12q21.2.
Variant type: single nucleotide variant.
Coding change: c.928G>A on transcript NM_005639.3 (MANE Select); coding-DNA position 928, G replaced by A.
Protein change: p.Asp310Asn; replaces aspartic acid 310 with asparagine.
Molecular consequence: missense variant.
Genome position (GRCh38, 1-based): chr12:79,353,619, G>A. VCF-style: chr12-79353619-G-A. GRCh37 (hg19) VCF-style: chr12-79747399-G-A.
Other names: c.928G>A, p.Asp310Asn (NM_001135805.2, NM_001135806.2); c.919G>A, p.Asp307Asn (NM_001291901.2); c.928G>A (NM_001135805.1, NM_005639.2); short protein forms D307N, D310N.
Identifiers: ClinVar variation 1297049 (VCV001297049.6), dbSNP rs2136007608, ClinGen allele CA385930632.
Genomic context (GRCh38, chr12:79,353,619, plus strand): 5'-CTGACTGTTGTCATTCTGGAGGCAAAGAACCTGAAGAAGATGGATGTGGGTGGCTTATCC[G>A]GTAAGCCTGCAGTGTTTATTGATTTTTTTCAAATGCTGTTTCGTCGTGGATACCAAATGC-3'
Protein context (NP_005630.1, residues 300-320): LKKMDVGGLS[Asp310Asn]PYVKIHLMQN

ClinVar aggregate classification (germline): Conflicting classifications of pathogenicity. Review status: criteria provided, conflicting classifications (1 of 4 stars). 5 submissions from 5 submitters: Pathogenic (1); Likely pathogenic (3); Uncertain significance (1). Last evaluated 2026-06-04.

Conditions:
Infantile hypotonia-oculomotor anomalies-hyperkinetic movements-developmental delay syndrome. Also called: BAKER-GORDON SYNDROME; NEURODEVELOPMENTAL DISORDER WITH INVOLUNTARY MOVEMENT AND ABNORMAL ELECTROENCEPHALOGRAM. Identifiers: Orphanet 522077, MedGen C4748715, MONDO:0033864, OMIM 618218.
SYT1-related disorder. Also called: SYT1-related condition.

Submissions (5):

GeneDx
Classification: Pathogenic. Last evaluated: 2026-06-04. Review status: criteria provided, single submitter. Criteria: GeneDx Variant Classification Process June 2021. Collection method: clinical testing. Allele origin: germline.
Comment: In silico analysis supports that this missense variant has a deleterious effect on protein structure/function; In silico analysis is inconclusive as to whether the variant alters gene splicing. In the absence of RNA/functional studies, the actual effect of this sequence change is unknown.; Not observed at significant frequency in large population cohorts (gnomAD); This variant is associated with the following publications: (PMID: 41889907)

PreventionGenetics, part of Exact Sciences
Classification: Uncertain significance for SYT1-related condition. Last evaluated: 2026-03-11. Review status: criteria provided, single submitter. Criteria: ACMG Guidelines, 2015. Collection method: clinical testing. Allele origin: germline.
Comment: The SYT1 c.928G>A variant is predicted to result in the amino acid substitution p.Asp310Asn. To our knowledge, this variant has not been reported in the literature or in a large population database (gnomAD), indicating this variant is rare. At this time, the clinical significance of this variant is uncertain due to the absence of conclusive functional and genetic evidence.

Institute of Human Genetics, University of Leipzig Medical Center
Classification: Likely pathogenic for Infantile hypotonia-oculomotor anomalies-hyperkinetic movements-developmental delay syndrome. Last evaluated: 2021-08-12. Review status: criteria provided, single submitter. Criteria: ACMG Guidelines, 2015. Collection method: clinical testing. Allele origin: de novo. Affected: yes.
Comment: This variant was identified as de novo (maternity and paternity confirmed).

Blueprint Genetics
Classification: Likely pathogenic for SYT1-related disorders. Last evaluated: 2020-05-06. Review status: criteria provided, single submitter. Criteria: ACMG Guidelines, 2015. Collection method: clinical testing. Allele origin: germline. Affected: yes. Observed: 2 variant alleles.

Molecular Genetics Lab, CHRU Brest
Classification: Likely pathogenic for Infantile hypotonia-oculomotor anomalies-hyperkinetic movements-developmental delay syndrome. Review status: criteria provided, single submitter. Criteria: ACMG Guidelines, 2015. Collection method: clinical testing. Allele origin: de novo. Affected: yes.